The following is an entry in ClinVar:

ClinVar aggregate classification (germline): Uncertain significance (1 of 4 stars; one submission).

Allele frequency attached by ClinVar (database versions not stated): gnomAD exomes below 0.00001.
gnomAD v4.1: 5 of 1,614,026 alleles (0.00031%); highest among the groups gnomAD compares: Non-Finnish European, 0.00042%; no homozygotes.

Submission:

Labcorp Genetics (formerly Invitae), Labcorp
Classification: Uncertain significance. Last evaluated: 2021-09-17. Review status: criteria provided, single submitter. Criteria: Invitae Variant Classification Sherloc (09022015). Collection method: clinical testing. Allele origin: germline.
Comment: In summary, the available evidence is currently insufficient to determine the role of this variant in disease. Therefore, it has been classified as a Variant of Uncertain Significance. Variants that disrupt the consensus splice site are a relatively common cause of aberrant splicing (PMID: 17576681, 9536098). Algorithms developed to predict the effect of sequence changes on RNA splicing suggest that this variant is not likely to affect RNA splicing. This variant has not been reported in the literature in individuals affected with PODXL-related conditions. This variant is not present in population databases (ExAC no frequency). This sequence change falls in intron 4 of the PODXL gene. It does not directly change the encoded amino acid sequence of the PODXL protein. It affects a nucleotide within the consensus splice site of the intron.

Literature cited by the submitters: PubMed 17576681; PubMed 9536098.

NM_001018111.3(PODXL):c.1102-3T>C

Gene: PODXL (podocalyxin like; minus strand). Cytogenetic location: 7q32.3.
Variant type: single nucleotide variant.
Coding change: c.1102-3T>C on transcript NM_001018111.3 (MANE Select); 3 bases into the intron before coding-DNA position 1102, T replaced by C.
Molecular consequence: intron variant.
Genome position (GRCh38, 1-based): chr7:131,506,729, A>G on the plus strand (T>C on the coding strand, the complement: PODXL is on the minus strand). VCF-style: chr7-131506729-A-G. GRCh37 (hg19) VCF-style: chr7-131191488-A-G.
Other names: c.1006-3T>C (NM_005397.4).
Identifiers: ClinVar variation 1438439 (VCV001438439.6), dbSNP rs2116779778, ClinGen allele CA2573141740.